The following is an entry in ClinVar:

ClinVar aggregate classification (germline): Uncertain significance (1 of 4 stars; one submission).

Conditions:
Glycogen storage disease, type II (IOPD). Also called: Glucosidase acid-1,4-alpha deficiency; Pompe Disease; GLYCOGENOSIS, GENERALIZED, CARDIAC FORM; GSD II; Glycogen storage disease type 2; Acid maltase deficiency disease. Identifiers: Orphanet 365, MedGen C0017921, MONDO:0009290, OMIM 232300.

Submission:

Labcorp Genetics (formerly Invitae), Labcorp
Classification: Uncertain significance for Glycogen storage disease, type II. Last evaluated: 2024-07-15. Review status: criteria provided, single submitter. Criteria: Invitae Variant Classification Sherloc (09022015). Collection method: clinical testing. Allele origin: germline.
Comment: This sequence change replaces histidine, which is basic and polar, with glutamine, which is neutral and polar, at codon 708 of the GAA protein (p.His708Gln). This variant is not present in population databases (gnomAD no frequency). This variant has not been reported in the literature in individuals affected with GAA-related conditions. ClinVar contains an entry for this variant (Variation ID: 1355591). Advanced modeling of protein sequence and biophysical properties (such as structural, functional, and spatial information, amino acid conservation, physicochemical variation, residue mobility, and thermodynamic stability) performed at Invitae indicates that this missense variant is not expected to disrupt GAA protein function with a negative predictive value of 95%. In summary, the available evidence is currently insufficient to determine the role of this variant in disease. Therefore, it has been classified as a Variant of Uncertain Significance.

NM_000152.5(GAA):c.2124C>G (p.His708Gln)

Gene: GAA (alpha glucosidase; plus strand). Cytogenetic location: 17q25.3.
Variant type: single nucleotide variant.
Coding change: c.2124C>G on transcript NM_000152.5 (MANE Select); coding-DNA position 2124, C replaced by G.
Protein change: p.His708Gln; replaces histidine 708 with glutamine.
Molecular consequence: missense variant.
Genome position (GRCh38, 1-based): chr17:80,113,301, C>G. VCF-style: chr17-80113301-C-G. GRCh37 (hg19) VCF-style: chr17-78087100-C-G.
Other names: c.2124C>G, p.His708Gln (NM_001079804.3, NM_001079803.3); short protein forms H708Q.
Identifiers: ClinVar variation 1355591 (VCV001355591.6), dbSNP rs751187069, ClinGen allele CA401370536.